The following is an entry in ClinVar:

ClinVar aggregate classification (germline): Uncertain significance (1 of 4 stars; one submission).

Conditions:
MHC class I deficiency. Identifiers: Orphanet 34592, MedGen C6024714, MONDO:0011476.

Submission:

Labcorp Genetics (formerly Invitae), Labcorp
Classification: Uncertain significance for MHC class I deficiency 1. Last evaluated: 2025-01-06. Review status: criteria provided, single submitter. Criteria: Invitae Variant Classification Sherloc (09022015). Collection method: clinical testing. Allele origin: germline.
Comment: This sequence change replaces alanine, which is neutral and non-polar, with phenylalanine, which is neutral and non-polar, at codon 2 of the TAP1 protein (p.Ala2Phe). This variant is present in population databases (no rsID available, gnomAD 0.001%). This variant has not been reported in the literature in individuals affected with TAP1-related conditions. Experimental studies and prediction algorithms are not available or were not evaluated, and the functional significance of this variant is currently unknown. In summary, the available evidence is currently insufficient to determine the role of this variant in disease. Therefore, it has been classified as a Variant of Uncertain Significance.

NC_000006.12:g.32853812_32853813delinsAA

Gene: TAP1 (transporter 1, ATP binding cassette subfamily B member; minus strand). Cytogenetic location: 6p21.32.
Variant type: Indel.
Genome position: GRCh38 VCF-style: chr6-32853812-GC-AA. GRCh37 (hg19) VCF-style: chr6-32821589-GC-AA.
Identifiers: ClinVar variation 3696325 (VCV003696325.2).